The following is an entry in ClinVar:

ClinVar aggregate classification (germline): Uncertain significance (1 of 4 stars; one submission).

Conditions:
Arrhythmogenic cardiomyopathy with wooly hair and keratoderma. Also called: PALMOPLANTAR KERATODERMA WITH LEFT VENTRICULAR CARDIOMYOPATHY AND WOOLLY HAIR; Carvajal syndrome; Dilated cardiomyopathy with woolly hair and keratoderma; Arrhythmogenic cardiomyopathy with woolly hair and keratoderma. Identifiers: Orphanet 65282, MedGen C1854063, MONDO:0011581, OMIM 605676.

Submission:

All of Us Research Program, National Institutes of Health
Classification: Uncertain significance for Arrhythmogenic cardiomyopathy with wooly hair and keratoderma. Last evaluated: 2023-08-15. Review status: criteria provided, single submitter. Criteria: ACMG Guidelines, 2015. Collection method: clinical testing. Allele origin: germline. Inheritance: Autosomal dominant inheritance. Observed: 1 variant allele, 1 heterozygote.
Comment: This study involves interpretation of variants in research participants for the purpose of population health screening. Participant phenotype was not available at the time of variant classification. Additional details can be found in publication PMID: 35346344, PMCID: PMC8962531

NM_004415.4(DSP):c.3691G>A (p.Asp1231Asn)

Gene: DSP (desmoplakin; plus strand). Cytogenetic location: 6p24.3.
Variant type: single nucleotide variant.
Coding change: c.3691G>A on transcript NM_004415.4 (MANE Select); coding-DNA position 3691, G replaced by A.
Protein change: p.Asp1231Asn; replaces aspartic acid 1231 with asparagine.
Molecular consequence: missense variant. On other transcripts: intron variant (1).
Genome position (GRCh38, 1-based): chr6:7,579,881, G>A. VCF-style: chr6-7579881-G-A. GRCh37 (hg19) VCF-style: chr6-7580114-G-A.
Other names: c.3691G>A, p.Asp1231Asn (NM_001319034.2); c.3582+109G>A (NM_001008844.3); short protein forms D1231N.
Identifiers: ClinVar variation 3072298 (VCV003072298.1), dbSNP rs2533925291, ClinGen allele CA362684643.